The following is an entry in ClinVar:

NM_000091.5(COL4A3):c.4918_4921del (p.Arg1640fs)

Genes: COL4A3 (collagen type IV alpha 3 chain; plus strand), MFF-DT (MFF divergent transcript; minus strand). Cytogenetic location: 2q36.3.
Variant type: Microsatellite.
Coding change: c.4918_4921del on transcript NM_000091.5 (MANE Select); coding-DNA positions 4918 to 4921, 4 bases deleted (AGAA; older notation c.4918_4921delAGAA).
Protein change: p.Arg1640fs; shifts the reading frame from arginine 1640.
Molecular consequence: frameshift variant.
Genome position (GRCh38, 1-based): chr2:227,310,938-227,310,941, AGAA deleted; deleting any 4 consecutive bases within chr2:227,310,934-227,310,941 gives the same sequence; the c. name uses the placement nearest the transcript's 3' end. VCF-style (leftmost placement, unchanged base first): chr2-227310933-CAGAA-C. GRCh37 (hg19) VCF-style: chr2-228175649-CAGAA-C.
Other names: short protein forms R1640fs.
Identifiers: ClinVar variation 4976869 (VCV004976869.1).

ClinVar aggregate classification (germline): Likely pathogenic (1 of 4 stars; one submission).

Conditions:
Hematuria. Identifiers: MedGen C0018965, HP:0000790.

Submission:

Genetics Laboratory, Great Ormond Street Hospital NHS Foundation Trust, North Thames Genomic Laboratory Hub
Classification: Likely pathogenic for Haematuria. Last evaluated: 2026-07-27. Review status: criteria provided, single submitter. Criteria: ACGS Best Practice Guidelines for Variant Classification in Rare Disease 2024 v1.2. Collection method: clinical testing. Allele origin: germline. Affected: yes.
Comment: PM2_moderate, PVS1_strong, PM3_supporting